The following is an entry in ClinVar:

NM_000751.3(CHRND):c.1400G>A (p.Arg467His)

Gene: CHRND (cholinergic receptor nicotinic delta subunit; plus strand). Cytogenetic location: 2q37.1.
Variant type: single nucleotide variant.
Coding change: c.1400G>A on transcript NM_000751.3 (MANE Select); coding-DNA position 1400, G replaced by A.
Protein change: p.Arg467His; replaces arginine 467 with histidine.
Molecular consequence: missense variant.
Genome position (GRCh38, 1-based): chr2:232,535,158, G>A. VCF-style: chr2-232535158-G-A. GRCh37 (hg19) VCF-style: chr2-233399868-G-A.
Other names: p.Arg467His; c.1355G>A, p.Arg452His (NM_001256657.2); c.818G>A, p.Arg273His (NM_001311195.2); c.1097G>A, p.Arg366His (NM_001311196.2); short protein forms R467H, R366H, R273H, R452H.
Identifiers: ClinVar variation 194006 (VCV000194006.63), dbSNP rs148939701, ClinGen allele CA200909.
Genomic context (GRCh38, chr2:232,535,158, plus strand): 5'-TCTCACCCCACTCTCTCTGCCCCTACCCACAGGAGAAAGACAGCTGGAACCGAGTGGCCC[G>A]CACAGTGGACCGCCTCTGCCTGTTTGTGGTGACGCCTGTCATGGTGGTGGGCACAGCCTG-3'
Protein context (NP_000742.1, residues 457-477): EEKDSWNRVA[Arg467His]TVDRLCLFVV

ClinVar aggregate classification (germline): Conflicting classifications of pathogenicity. Review status: criteria provided, conflicting classifications (1 of 4 stars). 11 submissions from 10 submitters: Uncertain significance (4); Benign (1); Likely benign (6). Last evaluated 2026-06-22.

Conditions:
CHRND-related disorder. Also called: CHRND-related condition; CHRND-Related Disorders.
Congenital myasthenic syndrome (CMS). Also called: Congenital Myasthenic Syndromes. Identifiers: Orphanet 590, MedGen C0751882, MeSH D020294, MONDO:0018940.
Lethal multiple pterygium syndrome (LMPS). Identifiers: Orphanet 33108, MedGen C1854678, MONDO:0009668, OMIM 253290.

Allele frequency attached by ClinVar (database versions not stated): gnomAD 0.00096; gnomAD exomes 0.00113; ExAC 0.00116; TOPMed 0.00135; ESP Exome Variant Server 0.00146; 1000 Genomes Project 0.00220; 1000 Genomes Project 30x 0.00234.
gnomAD v4.1: 3,201 of 1,614,160 alleles (0.2%); highest among the groups gnomAD compares: Non-Finnish European, 0.24%; 3 homozygotes.

Submissions (11):

PreventionGenetics, part of Exact Sciences
Classification: Likely benign for CHRND-related condition. Last evaluated: 2026-06-22. Review status: criteria provided, single submitter. Criteria: ACMG Guidelines, 2015. Collection method: clinical testing. Allele origin: germline.
Comment: This variant is classified as likely benign based on ACMG/AMP sequence variant interpretation guidelines (Richards et al. 2015 PMID: 25741868, with internal and published modifications).

Labcorp Genetics (formerly Invitae), Labcorp
Classification: Likely benign for Lethal multiple pterygium syndrome. Last evaluated: 2026-01-26. Review status: criteria provided, single submitter. Criteria: Invitae Variant Classification Sherloc (09022015). Collection method: clinical testing. Allele origin: germline.

Dasa
Classification: Likely benign. Last evaluated: 2026-01-15. Review status: criteria provided, single submitter. Criteria: DASA Assertion Criteria. Collection method: clinical testing. Allele origin: germline.
Comment: NM_000751.3(CHRND):c.1400G>A (p.Arg467His) is a missense variant that results in the substitution of arginine with histidine. Population frequency is inconsistent with a disease-causing role for this variant. Therefore, based on the currently available evidence, this variant is classified as likely benign.

CeGaT Center for Human Genetics Tuebingen
Classification: Likely benign. Last evaluated: 2025-03-01. Review status: criteria provided, single submitter. Criteria: CeGaT Center For Human Genetics Tuebingen Variant Classification Criteria Version 2. Collection method: clinical testing. Allele origin: germline. Affected: yes. Observed: 2 variant alleles.
Comment: CHRND: PM2, BS2

Mayo Clinic Laboratories, Mayo Clinic
Classification: Likely benign. Last evaluated: 2025-02-27. Review status: criteria provided, single submitter. Criteria: ACMG Guidelines, 2015. Collection method: clinical testing. Allele origin: germline. Observed: 2 variant alleles.
Comment: BS1, BS2

Blueprint Genetics
Classification: Likely benign. Last evaluated: 2024-11-25. Review status: criteria provided, single submitter. Criteria: ACMG Guidelines, 2015. Collection method: clinical testing. Allele origin: germline.

GeneDx
Classification: Uncertain significance. Last evaluated: 2021-07-30. Review status: criteria provided, single submitter. Criteria: GeneDx Variant Classification Process June 2021. Collection method: clinical testing. Allele origin: germline. Affected: yes.
Comment: In silico analysis supports that this missense variant has a deleterious effect on protein structure/function; Has not been previously published as pathogenic or benign to our knowledge

Illumina Laboratory Services, Illumina
Classification: Uncertain significance for Lethal multiple pterygium syndrome. Last evaluated: 2018-01-13. Review status: criteria provided, single submitter. Criteria: ICSL Variant Classification Criteria 13 December 2019. Collection method: clinical testing. Allele origin: germline.

Illumina Laboratory Services, Illumina
Classification: Uncertain significance for Congenital myasthenic syndrome. Last evaluated: 2018-01-13. Review status: criteria provided, single submitter. Criteria: ICSL Variant Classification Criteria 13 December 2019. Collection method: clinical testing. Allele origin: germline.

Genetic Services Laboratory, University of Chicago
Classification: Uncertain significance. Last evaluated: 2017-09-25. Review status: criteria provided, single submitter. Criteria: ACMG Guidelines, 2015. Collection method: clinical testing. Allele origin: germline. Affected: no.

Eurofins Ntd Llc (ga)
Classification: Benign. Last evaluated: 2014-12-12. Review status: criteria provided, single submitter. Criteria: EGL Classification Definitions 2015. Collection method: clinical testing. Allele origin: germline. Observed: 1 variant allele, 1 heterozygote.